The following is an entry in ClinVar:

NM_001378454.1(ALMS1):c.156G>C (p.Arg52=)

Gene: ALMS1 (ALMS1 centrosome and basal body associated protein; plus strand). Cytogenetic location: 2p13.1.
Variant type: single nucleotide variant.
Coding change: c.156G>C on transcript NM_001378454.1 (MANE Select); coding-DNA position 156, G replaced by C.
Protein change: p.Arg52=; no amino-acid change (arginine 52 retained).
Molecular consequence: synonymous variant.
Genome position (GRCh38, 1-based): chr2:73,386,024, G>C. VCF-style: chr2-73386024-G-C. GRCh37 (hg19) VCF-style: chr2-73613152-G-C.
Other names: c.159G>C, p.Arg53= (NM_015120.4).
Identifiers: ClinVar variation 4982688 (VCV004982688.1).

ClinVar aggregate classification (germline): Uncertain significance (1 of 4 stars; one submission).

Conditions:
ALMS1-related disorder. Also called: ALMS1-related condition.

Submission:

PreventionGenetics, part of Exact Sciences
Classification: Uncertain significance for ALMS1-related condition. Last evaluated: 2024-12-18. Review status: criteria provided, single submitter. Criteria: ACMG Guidelines, 2015. Collection method: clinical testing. Allele origin: germline.
Comment: The ALMS1 c.159G>C variant is predicted to result in the amino acid substitution p.Glu53Asp. To our knowledge, this variant has not been reported in the literature or in a large population database (gnomAD), indicating this variant is rare. At this time, the clinical significance of this variant is uncertain due to the absence of conclusive functional and genetic evidence.